The following is an entry in ClinVar:

NM_033056.4(PCDH15):c.5352T>A (p.Pro1784=)

Gene: PCDH15 (protocadherin related 15; minus strand). Cytogenetic location: 10q21.1.
Variant type: single nucleotide variant.
Coding change: c.5352T>A on transcript NM_033056.4 (MANE Plus Clinical); coding-DNA position 5352, T replaced by A.
Protein change: p.Pro1784=; no amino-acid change (proline 1784 retained).
Molecular consequence: synonymous variant. On other transcripts: intron variant (8).
Genome position (GRCh38, 1-based): chr10:53,822,374, A>T on the plus strand (T>A on the coding strand, the complement: PCDH15 is on the minus strand). VCF-style: chr10-53822374-A-T. GRCh37 (hg19) VCF-style: chr10-55582134-A-T.
Other names: c.5373T>A, p.Pro1791= (NM_001142763.2); c.5358T>A, p.Pro1786= (NM_001142764.2); c.5145T>A, p.Pro1715= (NM_001142765.2); c.5343T>A, p.Pro1781= (NM_001142766.2); c.5232T>A, p.Pro1744= (NM_001142767.2); c.5292T>A, p.Pro1764= (NM_001142768.2); c.5283T>A, p.Pro1761= (NM_001142773.2); c.5286T>A, p.Pro1762= (NM_001354404.2); and 7 more.
Identifiers: ClinVar variation 179751 (VCV000179751.5), dbSNP rs727505100, ClinGen allele CA185066.

ClinVar aggregate classification (germline): Likely benign (1 of 4 stars; one submission).

Submission:

Laboratory for Molecular Medicine, Mass General Brigham Personalized Medicine
Classification: Likely benign. Last evaluated: 2014-04-28. Review status: criteria provided, single submitter. Criteria: LMM Criteria. Collection method: clinical testing. Allele origin: germline. Observed: 2 variant alleles.
Comment: Pro1784Pro in exon 33 of PCDH15: This variant is not expected to have clinical s ignificance because it does not alter an amino acid residue, and it is not locat ed within the splice consensus sequence.